The following is an entry in ClinVar:

ClinVar aggregate classification (germline): Likely pathogenic (0 of 4 stars; one submission).

Conditions:
Chédiak-Higashi syndrome (CHS). Also called: Chediak-Higashi Syndrome. Identifiers: Orphanet 167, MedGen C0007965, MONDO:0008963, OMIM 214500.

gnomAD v4.1: 2 of 1,607,984 alleles (0.00012%); highest among the groups gnomAD compares: Non-Finnish European, 0.00017%; no homozygotes.

Submission:

Fan Lab, Zhengzhou University
Classification: Likely pathogenic for Chédiak-Higashi syndrome. Last evaluated: 2018-04-23. Review status: no assertion criteria provided. Collection method: clinical testing. Allele origin: inherited. Inheritance: Autosomal recessive inheritance. Affected: yes. Observed: 1 compound heterozygote.

NM_000081.4(LYST):c.4863-4G>T

Gene: LYST (lysosomal trafficking regulator; minus strand). Cytogenetic location: 1q42.3.
Variant type: single nucleotide variant.
Coding change: c.4863-4G>T on transcript NM_000081.4 (MANE Select); 4 bases into the intron before coding-DNA position 4863, G replaced by T.
Molecular consequence: intron variant.
Genome position (GRCh38, 1-based): chr1:235,782,091, C>A on the plus strand (G>T on the coding strand, the complement: LYST is on the minus strand). VCF-style: chr1-235782091-C-A. GRCh37 (hg19) VCF-style: chr1-235945391-C-A.
Other names: c.4863-4G>T (NM_001301365.1).
Identifiers: ClinVar variation 561991 (VCV000561991.2), dbSNP rs201382097, ClinGen allele CA529485119.